The following is an entry in ClinVar:

NM_005159.5(ACTC1):c.165C>T (p.Tyr55=)

Genes: ACTC1 (actin alpha cardiac muscle 1; minus strand), GJD2-DT (GJD2 divergent transcript; plus strand). Cytogenetic location: 15q14.
Variant type: single nucleotide variant.
Coding change: c.165C>T on transcript NM_005159.5 (MANE Select); coding-DNA position 165, C replaced by T.
Protein change: p.Tyr55=; no amino-acid change (tyrosine 55 retained).
Molecular consequence: synonymous variant.
Genome position (GRCh38, 1-based): chr15:34,793,534, G>A on the plus strand (C>T on the coding strand, the complement: ACTC1 is on the minus strand). VCF-style: chr15-34793534-G-A. GRCh37 (hg19) VCF-style: chr15-35085735-G-A.
Identifiers: ClinVar variation 162708 (VCV000162708.32), dbSNP rs149432225, ClinGen allele CA019674.

ClinVar aggregate classification (germline): Likely benign. Review status: criteria provided, multiple submitters, no conflicts (2 of 4 stars). 15 submissions from 15 submitters: Likely benign (11). 4 of the submissions do not count toward it. Last evaluated 2026-08-06.

Conditions:
ACTC1-related disorder. Also called: ACTC1-related condition.
Cardiovascular phenotype. Identifiers: MedGen CN230736.
Atrial septal defect 5 (ASD5). Identifiers: Orphanet 1478, MedGen C2748552, MONDO:0013011, OMIM 612794.
Hypertrophic cardiomyopathy 11. Also called: ACTC1-Related Familial Hypertrophic Cardiomyopathy. Identifiers: MedGen C2677506, MONDO:0012799, OMIM 612098.
Dilated cardiomyopathy 1R (CMD1R). Identifiers: Orphanet 154, Orphanet 54260, MedGen C3150681, MONDO:0013261, OMIM 613424.
Cardiomyopathy (CMYO). Also called: Cardiomyopathies. Identifiers: Orphanet 167848, MedGen C0878544, MONDO:0004994, HP:0001638. Inheritance: Various modes of inheritance.
Hypertrophic cardiomyopathy. Also called: HYPERTROPHIC MYOCARDIOPATHY. Identifiers: Orphanet 217569, MedGen C0007194, MeSH D002312, MONDO:0005045, HP:0001639.

Allele frequency attached by ClinVar (database versions not stated): gnomAD exomes 0.00006 and 0.00010; TOPMed 0.00007; ExAC 0.00008; gnomAD 0.00008 and 0.00009; ESP Exome Variant Server 0.00031.
gnomAD v4.1: 103 of 1,613,944 alleles (0.0064%); highest among the groups gnomAD compares: Middle Eastern, 0.016%; 1 homozygote.

Submissions (15):

PreventionGenetics, part of Exact Sciences
Classification: Likely benign for ACTC1-related condition. Last evaluated: 2026-08-06. Review status: criteria provided, single submitter. Criteria: ACMG Guidelines, 2015. Collection method: clinical testing. Allele origin: germline.
Comment: This variant is classified as likely benign based on ACMG/AMP sequence variant interpretation guidelines (Richards et al. 2015 PMID: 25741868, with internal and published modifications).

Labcorp Genetics (formerly Invitae), Labcorp
Classification: Likely benign for Dilated cardiomyopathy 1R; Hypertrophic cardiomyopathy 11; Atrial septal defect 5. Last evaluated: 2026-01-25. Review status: criteria provided, single submitter. Criteria: Invitae Variant Classification Sherloc (09022015). Collection method: clinical testing. Allele origin: germline.

Molecular Diagnostic Laboratory for Inherited Cardiovascular Disease, Montreal Heart Institute
Classification: Likely benign. Last evaluated: 2025-04-09. Review status: criteria provided, single submitter. Criteria: ACMG Guidelines, 2015. Collection method: clinical testing. Allele origin: germline. Affected: no.

Ambry Genetics
Classification: Likely benign for Cardiovascular phenotype. Last evaluated: 2024-02-06. Review status: criteria provided, single submitter. Criteria: Ambry Variant Classification Scheme 2023. Collection method: clinical testing. Allele origin: germline.

All of Us Research Program, National Institutes of Health
Classification: Likely benign for Hypertrophic cardiomyopathy. Last evaluated: 2023-11-30. Review status: criteria provided, single submitter. Criteria: ACMG Guidelines, 2015. Collection method: clinical testing. Allele origin: germline. Inheritance: Autosomal dominant inheritance. Observed: 6 variant alleles, 6 heterozygotes.
Comment: This study involves interpretation of variants in research participants for the purpose of population health screening. Participant phenotype was not available at the time of variant classification. Additional details can be found in publication PMID: 35346344, PMCID: PMC8962531

Blueprint Genetics
Classification: Likely benign. Last evaluated: 2021-06-11. Review status: criteria provided, single submitter. Criteria: ACMG Guidelines, 2015. Collection method: clinical testing. Allele origin: germline.

CHEO Genetics Diagnostic Laboratory, Children's Hospital of Eastern Ontario
Classification: Likely benign for Cardiomyopathy. Last evaluated: 2021-03-10. Review status: criteria provided, single submitter. Criteria: ACMG Guidelines, 2015. Collection method: clinical testing. Allele origin: germline.

Color Diagnostics, LLC DBA Color Health
Classification: Likely benign for Cardiomyopathy. Last evaluated: 2018-07-22. Review status: criteria provided, single submitter. Criteria: ACMG Guidelines, 2015. Collection method: clinical testing. Allele origin: germline.

GeneDx
Classification: Likely benign. Last evaluated: 2017-06-27. Review status: criteria provided, single submitter. Criteria: GeneDx Variant Classification (06012015). Collection method: clinical testing. Allele origin: germline. Affected: yes.
Comment: This variant is considered likely benign or benign based on one or more of the following criteria: it is a conservative change, it occurs at a poorly conserved position in the protein, it is predicted to be benign by multiple in silico algorithms, and/or has population frequency not consistent with disease.

Laboratory for Molecular Medicine, Mass General Brigham Personalized Medicine
Classification: Likely benign. Last evaluated: 2012-03-19. Review status: criteria provided, single submitter. Criteria: LMM Criteria. Collection method: clinical testing. Allele origin: germline. Observed: 1 variant allele.
Comment: p.Tyr55Tyr in Exon 02 of ACTC: This variant is not expected to have clinical sig nificance because it does not alter an amino acid residue, is not located within the splice consensus sequence. It has been identified in 0.1% (3/3738) of Afric an American chromosomes from a broad population by the NHLBI Exome Sequencing Pr oject (dbSNP rs149432225).

Breakthrough Genomics
Classification: Likely benign. Review status: criteria provided, single submitter. Criteria: ACMG Guidelines, 2015. Collection method: not provided. Allele origin: germline. Inheritance: Autosomal dominant inheritance. Affected: yes.

Clinical Genetics DNA and cytogenetics Diagnostics Lab, Erasmus MC, Erasmus Medical Center
Classification: Likely benign. Review status: no assertion criteria provided. Collection method: clinical testing. Allele origin: germline. Affected: yes. Study: VKGL Data-share Consensus. Not counted in ClinVar's aggregate classification.

Clinical Genetics, Academic Medical Center
Classification: Benign. Review status: no assertion criteria provided. Collection method: clinical testing. Allele origin: germline. Affected: yes. Study: VKGL Data-share Consensus. Not counted in ClinVar's aggregate classification.

Diagnostic Laboratory, Department of Genetics, University Medical Center Groningen
Classification: Likely benign. Review status: no assertion criteria provided. Collection method: clinical testing. Allele origin: germline. Affected: yes. Study: VKGL Data-share Consensus. Not counted in ClinVar's aggregate classification.

Joint Genome Diagnostic Labs from Nijmegen and Maastricht, Radboudumc and MUMC+
Classification: Likely benign. Review status: no assertion criteria provided. Collection method: clinical testing. Allele origin: germline. Affected: yes. Study: VKGL Data-share Consensus. Not counted in ClinVar's aggregate classification.